The following is an entry in ClinVar:

ClinVar aggregate classification (germline): Conflicting classifications of pathogenicity. Review status: criteria provided, conflicting classifications (1 of 4 stars). 5 submissions from 5 submitters: Uncertain significance (4); Likely benign (1). Last evaluated 2026-01-08.

Conditions:
Hereditary cancer-predisposing syndrome. Also called: Neoplastic Syndromes, Hereditary; Tumor predisposition; Hereditary Cancer Syndrome; Hereditary neoplastic syndrome. Identifiers: Orphanet 140162, MedGen C0027672, MeSH D009386, MONDO:0015356.
Breast-ovarian cancer, familial, susceptibility to, 3. Also called: RAD51C-Related Breast/Ovarian Cancer. Identifiers: Orphanet 145, MedGen C3150659, MONDO:0013253, OMIM 613399.
Fanconi anemia complementation group O. Also called: RAD51C-Related Fanconi Anemia. Identifiers: Orphanet 84, MedGen C3150653, MONDO:0013248, OMIM 613390.

Allele frequency attached by ClinVar (database versions not stated): gnomAD exomes below 0.00001; TOPMed below 0.00001.
gnomAD v4.1: 1 of 1,614,172 alleles (0.000062%); highest among the groups gnomAD compares: Non-Finnish European, 0.000085%; no homozygotes.

Submissions (5):

Women's Health and Genetics/Laboratory Corporation of America, LabCorp
Classification: Uncertain significance. Last evaluated: 2026-01-08. Review status: criteria provided, single submitter. Criteria: LabCorp Variant Classification Summary - May 2015. Collection method: clinical testing. Allele origin: germline.
Comment: Variant summary: RAD51C c.483G>T (p.Glu161Asp) results in a conservative amino acid change in the encoded protein sequence. Algorithms developed to predict the effect of missense changes on protein structure and function are either unavailable or do not agree on the potential impact of this missense change. The variant was absent in 251482 control chromosomes. The available data on variant occurrences in the general population are insufficient to allow any conclusion about variant significance. To our knowledge, no occurrence of c.483G>T in individuals affected with RAD51C-related conditions and no experimental evidence demonstrating its impact on protein function have been reported. ClinVar contains an entry for this variant (Variation ID: 565947). Based on the evidence outlined above, the variant was classified as uncertain significance.

Ambry Genetics
Classification: Likely benign for Hereditary cancer-predisposing syndrome. Last evaluated: 2025-10-24. Review status: criteria provided, single submitter. Criteria: Ambry Variant Classification Scheme 2023. Collection method: clinical testing. Allele origin: germline.

Labcorp Genetics (formerly Invitae), Labcorp
Classification: Uncertain significance for Fanconi anemia complementation group O. Last evaluated: 2024-07-08. Review status: criteria provided, single submitter. Criteria: Invitae Variant Classification Sherloc (09022015). Collection method: clinical testing. Allele origin: germline.
Comment: This sequence change replaces glutamic acid, which is acidic and polar, with aspartic acid, which is acidic and polar, at codon 161 of the RAD51C protein (p.Glu161Asp). This variant is not present in population databases (gnomAD no frequency). This variant has not been reported in the literature in individuals affected with RAD51C-related conditions. ClinVar contains an entry for this variant (Variation ID: 565947). Advanced modeling of protein sequence and biophysical properties (such as structural, functional, and spatial information, amino acid conservation, physicochemical variation, residue mobility, and thermodynamic stability) has been performed at Invitae for this missense variant, however the output from this modeling did not meet the statistical confidence thresholds required to predict the impact of this variant on RAD51C protein function. In summary, the available evidence is currently insufficient to determine the role of this variant in disease. Therefore, it has been classified as a Variant of Uncertain Significance.

Baylor Genetics
Classification: Uncertain significance for Breast-ovarian cancer, familial, susceptibility to, 3. Last evaluated: 2024-03-06. Review status: criteria provided, single submitter. Criteria: ACMG Guidelines, 2015. Collection method: clinical testing. Allele origin: unknown.

Color Diagnostics, LLC DBA Color Health
Classification: Uncertain significance for Hereditary cancer-predisposing syndrome. Last evaluated: 2023-12-05. Review status: criteria provided, single submitter. Criteria: ACMG Guidelines, 2015. Collection method: clinical testing. Allele origin: germline.
Comment: This missense variant replaces glutamic acid with aspartic acid at codon 161 of the RAD51C protein. Computational prediction is inconclusive regarding the impact of this variant on protein structure and function (internally defined REVEL score threshold 0.5 < inconclusive < 0.7, PMID: 27666373). To our knowledge, functional studies have not been reported for this variant. This variant has not been reported in individuals affected with RAD51C-related disorders in the literature. This variant has not been identified in the general population by the Genome Aggregation Database (gnomAD). The available evidence is insufficient to determine the role of this variant in disease conclusively. Therefore, this variant is classified as a Variant of Uncertain Significance.

NM_058216.3(RAD51C):c.483G>T (p.Glu161Asp)

Gene: RAD51C (RAD51 paralog C; plus strand). Cytogenetic location: 17q22.
Variant type: single nucleotide variant.
Coding change: c.483G>T on transcript NM_058216.3 (MANE Select); coding-DNA position 483, G replaced by T.
Protein change: p.Glu161Asp; replaces glutamic acid 161 with aspartic acid.
Molecular consequence: missense variant.
Genome position (GRCh38, 1-based): chr17:58,696,771, G>T. VCF-style: chr17-58696771-G-T. GRCh37 (hg19) VCF-style: chr17-56774132-G-T.
Other names: short protein forms E161D.
Identifiers: ClinVar variation 565947 (VCV000565947.24), dbSNP rs1188093917, ClinGen allele CA400344757.
Genomic context (GRCh38, chr17:58,696,771, plus strand): 5'-TGTGCAGATACCAGAATGTTTTGGAGGAGTGGCAGGTGAAGCAGTTTTTATTGATACAGA[G>T]GGAAGTTTTATGGTTGATAGAGTGGTAGACCTTGCTACTGCCTGCATTCAGCACCTTCAG-3'
Protein context (NP_478123.1, residues 151-171): VAGEAVFIDT[Glu161Asp]GSFMVDRVVD